The following is an entry in ClinVar:

NM_001382.4(DPAGT1):c.497-13T>A

Gene: DPAGT1 (dolichyl-phosphate N-acetylglucosaminephosphotransferase 1; minus strand). Cytogenetic location: 11q23.3.
Variant type: single nucleotide variant.
Coding change: c.497-13T>A on transcript NM_001382.4 (MANE Select); 13 bases into the intron before coding-DNA position 497, T replaced by A.
Molecular consequence: intron variant.
Genome position (GRCh38, 1-based): chr11:119,100,421, A>T on the plus strand (T>A on the coding strand, the complement: DPAGT1 is on the minus strand). VCF-style: chr11-119100421-A-T. GRCh37 (hg19) VCF-style: chr11-118971131-A-T.
Identifiers: ClinVar variation 387913 (VCV000387913.1), dbSNP rs1057522939, ClinGen allele CA16606169.

ClinVar aggregate classification (germline): Likely benign (1 of 4 stars; one submission).

Submission:

GeneDx
Classification: Likely benign. Last evaluated: 2016-08-01. Review status: criteria provided, single submitter. Criteria: GeneDx Variant Classification (06012015). Collection method: clinical testing. Allele origin: germline. Affected: yes.
Comment: This variant is considered likely benign or benign based on one or more of the following criteria: it is a conservative change, it occurs at a poorly conserved position in the protein, it is predicted to be benign by multiple in silico algorithms, and/or has population frequency not consistent with disease.